The following is an entry in ClinVar:

NM_206933.4(USH2A):c.14774del (p.Phe4925fs)

Gene: USH2A (usherin; minus strand). Cytogenetic location: 1q41.
Variant type: Deletion.
Coding change: c.14774del on transcript NM_206933.4 (MANE Select); coding-DNA position 14774, one base deleted (T; older notation c.14774delT).
Protein change: p.Phe4925fs; shifts the reading frame from phenylalanine 4925.
Molecular consequence: frameshift variant.
Genome position (GRCh38, 1-based): chr1:215,647,539, A deleted on the plus strand (T on the coding strand, the reverse complement: USH2A is on the minus strand); the first of 3 consecutive A bases (chr1:215,647,539-215,647,541); deleting any one gives the same sequence. VCF-style (leftmost placement, unchanged base first): chr1-215647538-GA-G. GRCh37 (hg19) VCF-style: chr1-215820880-GA-G.
Other names: short protein forms F4925fs.
Identifiers: ClinVar variation 3240688 (VCV003240688.2), dbSNP rs2464811162.

ClinVar aggregate classification (germline): Pathogenic/Likely pathogenic. Review status: criteria provided, multiple submitters, no conflicts (2 of 4 stars). 2 submissions from 2 submitters: Pathogenic (1); Likely pathogenic (1). Last evaluated 2025-06-26.

Conditions:
Usher syndrome type 2A. Also called: RETINAL DISEASE IN USHER SYNDROME TYPE IIA, MODIFIER OF; USHER SYNDROME, TYPE IIA. Identifiers: Orphanet 231178, Orphanet 886, MedGen C1848634, MONDO:0010169, OMIM 276901.
Retinitis pigmentosa 39 (RP39). Identifiers: Orphanet 791, MedGen C3151138, MONDO:0013436, OMIM 613809.

Submissions (2):

3billion
Classification: Pathogenic for Usher syndrome type 2A. Last evaluated: 2025-06-26. Review status: criteria provided, single submitter. Criteria: ACMG Guidelines, 2015. Collection method: clinical testing. Allele origin: germline. Affected: yes.
Comment: The variant is not observed in the gnomAD v4.1.0 dataset. Predicted Consequence/Location: Frameshift: predicted to result in a loss or disruption of normal protein function through nonsense-mediated decay (NMD) or protein truncation. Multiple pathogenic variants are reported downstream of the variant. The variant has been reported to be associated with USH2A-related disorder (ClinVar ID: VCV003240688). Therefore, this variant is classified as Pathogenic according to the recommendation of ACMG/AMP guideline.

Baylor Genetics
Classification: Likely pathogenic for Retinitis pigmentosa 39. Last evaluated: 2024-03-25. Review status: criteria provided, single submitter. Criteria: ACMG Guidelines, 2015. Collection method: clinical testing. Allele origin: unknown.